The following is an entry in ClinVar:

ClinVar aggregate classification (germline): Likely pathogenic (1 of 4 stars; one submission).

Conditions:
Ellis-van Creveld syndrome (EVC). Also called: Chondroectodermal dysplasia; EVC-Related Ellis-van Creveld Syndrome; EVC2-Related Ellis-van Creveld Syndrome; MESOECTODERMAL DYSPLASIA. Identifiers: Orphanet 289, MedGen C0013903, MONDO:0009162, OMIM 225500.

gnomAD v4.1: 1 of 1,602,436 alleles (0.000062%); highest among the groups gnomAD compares: East Asian, 0.0023%; no homozygotes.

Submission:

Juno Genomics, Hangzhou Juno Genomics, Inc
Classification: Likely pathogenic for Ellis-van Creveld syndrome. Review status: criteria provided, single submitter. Criteria: ACMG Guidelines, 2015. Collection method: clinical testing. Allele origin: germline. Affected: yes.
Comment: Absent from controls (or at extremely low frequency if recessive) in Genome Aggregation Database, Exome Sequencing Project, 1000 Genomes Project, or Exome Aggregation Consortium.;Null variant in a gene where loss of function (LOF) is a known mechanism of disease.

NM_153717.3(EVC):c.2188C>T (p.Gln730Ter)

Gene: EVC (EvC ciliary complex subunit 1; plus strand). Cytogenetic location: 4p16.2.
Variant type: single nucleotide variant.
Coding change: c.2188C>T on transcript NM_153717.3 (MANE Select); coding-DNA position 2188, C replaced by T.
Protein change: p.Gln730Ter; replaces glutamine 730 with a stop codon.
Molecular consequence: nonsense.
Genome position (GRCh38, 1-based): chr4:5,798,676, C>T. VCF-style: chr4-5798676-C-T. GRCh37 (hg19) VCF-style: chr4-5800403-C-T.
Other names: c.2188C>T, p.Gln730Ter (NM_001306090.2); short protein forms Q730*.
Identifiers: ClinVar variation 4072420 (VCV004072420.2).